The following is an entry in ClinVar:

ClinVar aggregate classification (germline): Uncertain significance (1 of 4 stars; one submission).

Submission:

Women's Health and Genetics/Laboratory Corporation of America, LabCorp
Classification: Uncertain significance. Last evaluated: 2025-09-16. Review status: criteria provided, single submitter. Criteria: LabCorp Variant Classification Summary - May 2015. Collection method: clinical testing. Allele origin: germline.
Comment: Variant summary: PKD1 c.2141T>C (p.Leu714Pro) results in a non-conservative amino acid change in the encoded protein sequence. Algorithms developed to predict the effect of missense changes on protein structure and function are either unavailable or do not agree on the potential impact of this missense change. The variant was absent in 119154 control chromosomes. The available data on variant occurrences in the general population are insufficient to allow any conclusion about variant significance. c.2141T>C has been observed in a cohort of Japanese individual(s) Polycystic kidney disease (example: Kimura_2023). These report(s) do not provide unequivocal conclusions about association of the variant with PKD1-Biallelic Autosomal Recessive Polycystic Kidney Disease. To our knowledge, no experimental evidence demonstrating an impact on protein function has been reported. The following publication has been ascertained in the context of this evaluation (PMID: 37509056). No submitters have cited clinical-significance assessments for this variant to ClinVar. Based on the evidence outlined above, the variant was classified as uncertain significance.

Literature cited by the submitters: PubMed 37509056.

NM_001009944.3(PKD1):c.2141T>C (p.Leu714Pro)

Gene: PKD1 (polycystin 1, transient receptor potential channel interacting; minus strand). Cytogenetic location: 16p13.3.
Variant type: single nucleotide variant.
Coding change: c.2141T>C on transcript NM_001009944.3 (MANE Select); coding-DNA position 2141, T replaced by C.
Protein change: p.Leu714Pro; replaces leucine 714 with proline.
Molecular consequence: missense variant.
Genome position (GRCh38, 1-based): chr16:2,114,882, A>G on the plus strand (T>C on the coding strand, the complement: PKD1 is on the minus strand). VCF-style: chr16-2114882-A-G. GRCh37 (hg19) VCF-style: chr16-2164883-A-G.
Other names: c.2141T>C, p.Leu714Pro (NM_000296.4); short protein forms L714P.
Identifiers: ClinVar variation 4535507 (VCV004535507.1).